The following is an entry in ClinVar:

ClinVar aggregate classification (germline): Uncertain significance (1 of 4 stars; one submission).

Submission:

GeneDx
Classification: Uncertain significance. Last evaluated: 2025-03-13. Review status: criteria provided, single submitter. Criteria: GeneDx Variant Classification Process June 2021. Collection method: clinical testing. Allele origin: germline. Affected: yes.
Comment: Not observed at significant frequency in large population cohorts (gnomAD); In silico analysis supports that this missense variant has a deleterious effect on protein structure/function; Has not been previously published as pathogenic or benign to our knowledge

NM_006445.4(PRPF8):c.6478C>G (p.Pro2160Ala)

Gene: PRPF8 (pre-mRNA processing factor 8; minus strand). Cytogenetic location: 17p13.3.
Variant type: single nucleotide variant.
Coding change: c.6478C>G on transcript NM_006445.4 (MANE Select); coding-DNA position 6478, C replaced by G.
Protein change: p.Pro2160Ala; replaces proline 2160 with alanine.
Molecular consequence: missense variant.
Genome position (GRCh38, 1-based): chr17:1,651,680, G>C on the plus strand (C>G on the coding strand, the complement: PRPF8 is on the minus strand). VCF-style: chr17-1651680-G-C. GRCh37 (hg19) VCF-style: chr17-1554974-G-C.
Other names: short protein forms P2160A.
Identifiers: ClinVar variation 4083024 (VCV004083024.1).